The following is an entry in ClinVar:

ClinVar aggregate classification (germline): Likely pathogenic (1 of 4 stars; one submission).

Conditions:
Glucose-6-phosphate transport defect (GSD1B). Also called: Glycogen Storage Disease Type Ib; GSD Ib. Identifiers: Orphanet 364, Orphanet 79259, MedGen C0268146, MONDO:0009288, OMIM 232220.

Submission:

Natera, Inc.
Classification: Likely pathogenic for Glycogen storage disease type Ib. Last evaluated: 2025-01-22. Review status: criteria provided, single submitter. Criteria: Natera Variant Classification Schema (03/2026). Collection method: clinical testing. Allele origin: germline.
Comment: The c.625+1G>T variant in SLC37A4 is a canonical splice donor site variant predicted to affect pre-mRNA splicing, which may result in an abnormal transcript and altered protein product. This variant is expected to result in nonsense mediated decay, truncation, or a dysfunctional protein product. This variant is rare in the general population with a frequency below the threshold expected for the associated phenotype(s). Given the available evidence, this variant is classified as Likely Pathogenic.

NM_001164277.2(SLC37A4):c.626+1G>T

Gene: SLC37A4 (solute carrier family 37 member 4; minus strand). Cytogenetic location: 11q23.3.
Variant type: single nucleotide variant.
Coding change: c.626+1G>T on transcript NM_001164277.2 (MANE Select); the canonical splice donor site of the intron after coding-DNA position 626, G replaced by T.
Molecular consequence: splice donor variant.
Genome position (GRCh38, 1-based): chr11:119,027,627, C>A on the plus strand (G>T on the coding strand, the complement: SLC37A4 is on the minus strand). VCF-style: chr11-119027627-C-A. GRCh37 (hg19) VCF-style: chr11-118898337-C-A.
Other names: c.407+1G>T (NM_001164279.2); c.626+1G>T (NM_001467.6, NM_001164278.2, NM_001164280.2).
Identifiers: ClinVar variation 4061752 (VCV004061752.2).